The following is an entry in ClinVar:

NM_001256789.3(CACNA1F):c.2452G>A (p.Gly818Ser)

Gene: CACNA1F (calcium voltage-gated channel subunit alpha1 F; minus strand). Cytogenetic location: Xp11.23.
Variant type: single nucleotide variant.
Coding change: c.2452G>A on transcript NM_001256789.3 (MANE Select); coding-DNA position 2452, G replaced by A.
Protein change: p.Gly818Ser; replaces glycine 818 with serine.
Molecular consequence: missense variant.
Genome position (GRCh38, 1-based): chrX:49,219,725, C>T on the plus strand (G>A on the coding strand, the complement: CACNA1F is on the minus strand). VCF-style: chrX-49219725-C-T. GRCh37 (hg19) VCF-style: chrX-49076184-C-T.
Other names: c.2290G>A, p.Gly764Ser (NM_001256790.3); c.2485G>A, p.Gly829Ser (NM_005183.4); short protein forms G764S, G818S, G829S.
Identifiers: ClinVar variation 1970996 (VCV001970996.5), dbSNP rs782727900, ClinGen allele CA10410663.

ClinVar aggregate classification (germline): Uncertain significance (1 of 4 stars; one submission).

Allele frequency attached by ClinVar (database versions not stated): gnomAD exomes below 0.00001; TOPMed below 0.00001; ExAC 0.00002; gnomAD 0.00002.
gnomAD v4.1: 6 of 1,187,416 alleles (0.00051%); highest among the groups gnomAD compares: Admixed American, 0.0023%; no homozygotes.

Submission:

Labcorp Genetics (formerly Invitae), Labcorp
Classification: Uncertain significance. Last evaluated: 2024-12-02. Review status: criteria provided, single submitter. Criteria: Invitae Variant Classification Sherloc (09022015). Collection method: clinical testing. Allele origin: germline.
Comment: This sequence change replaces glycine, which is neutral and non-polar, with serine, which is neutral and polar, at codon 829 of the CACNA1F protein (p.Gly829Ser). The frequency data for this variant in the population databases is considered unreliable, as metrics indicate poor data quality at this position in the gnomAD database. This variant has not been reported in the literature in individuals affected with CACNA1F-related conditions. ClinVar contains an entry for this variant (Variation ID: 1970996). Invitae Evidence Modeling of protein sequence and biophysical properties (such as structural, functional, and spatial information, amino acid conservation, physicochemical variation, residue mobility, and thermodynamic stability) indicates that this missense variant is not expected to disrupt CACNA1F protein function with a negative predictive value of 80%. In summary, the available evidence is currently insufficient to determine the role of this variant in disease. Therefore, it has been classified as a Variant of Uncertain Significance.